The following is an entry in ClinVar:

ClinVar aggregate classification (germline): Uncertain significance (1 of 4 stars; one submission).

Submission:

Labcorp Genetics (formerly Invitae), Labcorp
Classification: Uncertain significance. Last evaluated: 2024-03-04. Review status: criteria provided, single submitter. Criteria: Invitae Variant Classification Sherloc (09022015). Collection method: clinical testing. Allele origin: germline.
Comment: This sequence change replaces leucine, which is neutral and non-polar, with valine, which is neutral and non-polar, at codon 155 of the POLE protein (p.Leu155Val). This variant is not present in population databases (gnomAD no frequency). This variant has not been reported in the literature in individuals affected with POLE-related conditions. Advanced modeling of protein sequence and biophysical properties (such as structural, functional, and spatial information, amino acid conservation, physicochemical variation, residue mobility, and thermodynamic stability) performed at Invitae indicates that this missense variant is not expected to disrupt POLE protein function with a negative predictive value of 80%. In summary, the available evidence is currently insufficient to determine the role of this variant in disease. Therefore, it has been classified as a Variant of Uncertain Significance.

NM_006231.4(POLE):c.463C>G (p.Leu155Val)

Gene: POLE (DNA polymerase epsilon, catalytic subunit; minus strand). Cytogenetic location: 12q24.33.
Variant type: single nucleotide variant.
Coding change: c.463C>G on transcript NM_006231.4 (MANE Select); coding-DNA position 463, C replaced by G.
Protein change: p.Leu155Val; replaces leucine 155 with valine.
Molecular consequence: missense variant.
Genome position (GRCh38, 1-based): chr12:132,679,612, G>C on the plus strand (C>G on the coding strand, the complement: POLE is on the minus strand). VCF-style: chr12-132679612-G-C. GRCh37 (hg19) VCF-style: chr12-133256198-G-C.
Other names: short protein forms L155V.
Identifiers: ClinVar variation 3672730 (VCV003672730.2).